The following is an entry in ClinVar:

ClinVar aggregate classification (germline): Uncertain significance (1 of 4 stars; one submission).

Conditions:
Hereditary diffuse gastric adenocarcinoma (HDGC). Also called: DIFFUSE GASTRIC AND LOBULAR BREAST CANCER SYNDROME. Identifiers: Orphanet 26106, MedGen C1708349, MONDO:0007648, OMIM 137215.

Submission:

Labcorp Genetics (formerly Invitae), Labcorp
Classification: Uncertain significance for Hereditary diffuse gastric adenocarcinoma. Last evaluated: 2023-09-15. Review status: criteria provided, single submitter. Criteria: Invitae Variant Classification Sherloc (09022015). Collection method: clinical testing. Allele origin: germline.
Comment: This variant has not been reported in the literature in individuals affected with CDH1-related conditions. This variant is not present in population databases (gnomAD no frequency). This sequence change replaces methionine, which is neutral and non-polar, with leucine, which is neutral and non-polar, at codon 670 of the CDH1 protein (p.Met670Leu). An algorithm developed to predict the effect of missense changes on protein structure and function (PolyPhen-2) suggests that this variant is likely to be tolerated. In summary, the available evidence is currently insufficient to determine the role of this variant in disease. Therefore, it has been classified as a Variant of Uncertain Significance.

NM_004360.5(CDH1):c.2008A>T (p.Met670Leu)

Gene: CDH1 (cadherin 1; plus strand). Cytogenetic location: 16q22.1.
Variant type: single nucleotide variant.
Coding change: c.2008A>T on transcript NM_004360.5 (MANE Select); coding-DNA position 2008, A replaced by T.
Protein change: p.Met670Leu; replaces methionine 670 with leucine.
Molecular consequence: missense variant.
Genome position (GRCh38, 1-based): chr16:68,823,470, A>T. VCF-style: chr16-68823470-A-T. GRCh37 (hg19) VCF-style: chr16-68857373-A-T.
Other names: c.1825A>T, p.Met609Leu (NM_001317184.2); c.460A>T, p.Met154Leu (NM_001317185.2); c.43A>T, p.Met15Leu (NM_001317186.2); short protein forms M15L, M154L, M609L, M670L.
Identifiers: ClinVar variation 2760805 (VCV002760805.3), dbSNP rs876660107, ClinGen allele CA396467654.